The following is an entry in ClinVar:

ClinVar aggregate classification (germline): Uncertain significance (1 of 4 stars; one submission).

Conditions:
5-Oxoprolinase deficiency (OPLAHD). Also called: 5-OXOPROLINURIA DUE TO 5-OXOPROLINASE DEFICIENCY. Identifiers: Orphanet 33572, MedGen C0268525, MONDO:0009825, OMIM 260005, HP:0040142.

gnomAD v4.1: 3 of 1,606,402 alleles (0.00019%); highest among the groups gnomAD compares: Admixed American, 0.0051%; no homozygotes.

Submission:

Labcorp Genetics (formerly Invitae), Labcorp
Classification: Uncertain significance for 5-Oxoprolinase deficiency. Last evaluated: 2025-12-22. Review status: criteria provided, single submitter. Criteria: Invitae Variant Classification Sherloc (09022015). Collection method: clinical testing. Allele origin: germline.
Comment: This sequence change replaces alanine, which is neutral and non-polar, with threonine, which is neutral and polar, at codon 1271 of the OPLAH protein (p.Ala1271Thr). This variant is present in population databases (rs782755078, gnomAD 0.009%). This variant has not been reported in the literature in individuals affected with OPLAH-related conditions. Experimental studies and prediction algorithms are not available or were not evaluated, and the functional significance of this variant is currently unknown. In summary, the available evidence is currently insufficient to determine the role of this variant in disease. Therefore, it has been classified as a Variant of Uncertain Significance.

NM_017570.5(OPLAH):c.3811G>A (p.Ala1271Thr)

Gene: OPLAH (5-oxoprolinase, ATP-hydrolysing; minus strand). Cytogenetic location: 8q24.3.
Variant type: single nucleotide variant.
Coding change: c.3811G>A on transcript NM_017570.5 (MANE Select); coding-DNA position 3811, G replaced by A.
Protein change: p.Ala1271Thr; replaces alanine 1271 with threonine.
Molecular consequence: missense variant.
Genome position (GRCh38, 1-based): chr8:144,051,382, C>T on the plus strand (G>A on the coding strand, the complement: OPLAH is on the minus strand). VCF-style: chr8-144051382-C-T. GRCh37 (hg19) VCF-style: chr8-145106283-C-T.
Other names: short protein forms A1271T.
Identifiers: ClinVar variation 4734479 (VCV004734479.1).